The following is an entry in ClinVar:

NM_015214.3(DDHD2):c.467C>G (p.Pro156Arg)

Gene: DDHD2 (DDHD domain containing 2; plus strand). Cytogenetic location: 8p11.23.
Variant type: single nucleotide variant.
Coding change: c.467C>G on transcript NM_015214.3 (MANE Select); coding-DNA position 467, C replaced by G.
Protein change: p.Pro156Arg; replaces proline 156 with arginine.
Molecular consequence: missense variant. On other transcripts: non-coding transcript variant (2).
Genome position (GRCh38, 1-based): chr8:38,237,593, C>G. VCF-style: chr8-38237593-C-G. GRCh37 (hg19) VCF-style: chr8-38095111-C-G.
Other names: c.467C>G, p.Pro156Arg (NM_001164232.2, NM_001164234.2, NM_001362911.2 and 3 more transcripts); c.467C>G (NM_015214.2); short protein forms P156R.
Identifiers: ClinVar variation 1520252 (VCV001520252.9), dbSNP rs1013939450, ClinGen allele CA175111929.

ClinVar aggregate classification (germline): Uncertain significance. Review status: criteria provided, multiple submitters, no conflicts (2 of 4 stars). 2 submissions from 2 submitters: Uncertain significance (2). Last evaluated 2025-09-05.

Conditions:
Inborn genetic diseases. Identifiers: MedGen C0950123, MeSH D030342.
Hereditary spastic paraplegia 54. Also called: Spastic paraplegia 54, autosomal recessive. Identifiers: Orphanet 320380, MedGen C3539495, MONDO:0014018, OMIM 615033.

Submissions (2):

Ambry Genetics
Classification: Uncertain significance for Inborn genetic diseases. Last evaluated: 2025-09-05. Review status: criteria provided, single submitter. Criteria: Ambry Variant Classification Scheme 2023. Collection method: clinical testing. Allele origin: germline.

Labcorp Genetics (formerly Invitae), Labcorp
Classification: Uncertain significance for Hereditary spastic paraplegia 54. Last evaluated: 2021-12-02. Review status: criteria provided, single submitter. Criteria: Invitae Variant Classification Sherloc (09022015). Collection method: clinical testing. Allele origin: germline.
Comment: In summary, the available evidence is currently insufficient to determine the role of this variant in disease. Therefore, it has been classified as a Variant of Uncertain Significance. Algorithms developed to predict the effect of missense changes on protein structure and function are either unavailable or do not agree on the potential impact of this missense change (SIFT: "Deleterious"; PolyPhen-2: "Possibly Damaging"; Align-GVGD: "Class C0"). This variant has not been reported in the literature in individuals affected with DDHD2-related conditions. This variant is not present in population databases (gnomAD no frequency). This sequence change replaces proline, which is neutral and non-polar, with arginine, which is basic and polar, at codon 156 of the DDHD2 protein (p.Pro156Arg).